The following is an entry in ClinVar:

ClinVar aggregate classification (germline): Uncertain significance (1 of 4 stars; one submission).

Allele frequency attached by ClinVar (database versions not stated): gnomAD exomes below 0.00001.
gnomAD v4.1: 1 of 1,614,132 alleles (0.000062%); highest among the groups gnomAD compares: South Asian, 0.0011%; no homozygotes.

Submission:

Labcorp Genetics (formerly Invitae), Labcorp
Classification: Uncertain significance. Last evaluated: 2022-04-01. Review status: criteria provided, single submitter. Criteria: Invitae Variant Classification Sherloc (09022015). Collection method: clinical testing. Allele origin: germline.
Comment: In summary, the available evidence is currently insufficient to determine the role of this variant in disease. Therefore, it has been classified as a Variant of Uncertain Significance. Algorithms developed to predict the effect of missense changes on protein structure and function (SIFT, PolyPhen-2, Align-GVGD) all suggest that this variant is likely to be tolerated. This variant has not been reported in the literature in individuals affected with REST-related conditions. This variant is not present in population databases (gnomAD no frequency). This sequence change replaces glycine, which is neutral and non-polar, with valine, which is neutral and non-polar, at codon 878 of the REST protein (p.Gly878Val).

NM_005612.5(REST):c.2633G>T (p.Gly878Val)

Gene: REST (RE1 silencing transcription factor; plus strand). Cytogenetic location: 4q12.
Variant type: single nucleotide variant.
Coding change: c.2633G>T on transcript NM_005612.5 (MANE Select); coding-DNA position 2633, G replaced by T.
Protein change: p.Gly878Val; replaces glycine 878 with valine.
Molecular consequence: missense variant.
Genome position (GRCh38, 1-based): chr4:56,931,491, G>T. VCF-style: chr4-56931491-G-T. GRCh37 (hg19) VCF-style: chr4-57797657-G-T.
Other names: c.2633G>T, p.Gly878Val (NM_001193508.2, NM_001363453.3); short protein forms G878V.
Identifiers: ClinVar variation 2120442 (VCV002120442.4), dbSNP rs2475853783, ClinGen allele CA357009207.
Genomic context (GRCh38, chr4:56,931,491, plus strand): 5'-AGGATCTCTCACCACCATCACCACCACTGCCAAAGGAAAATTTAAGAGAAGAGGCATCAG[G>T]AGACCAAAAATTACTCAACACAGGTGAAGGAAATAAAGAAGCCCCTCTTCAGAAAGTAGG-3'
Protein context (NP_005603.3, residues 868-888): PKENLREEAS[Gly878Val]DQKLLNTGEG